The following is an entry in ClinVar:

NM_019014.6(POLR1B):c.2688G>A (p.Leu896=)

Gene: POLR1B (RNA polymerase I subunit B; plus strand). Cytogenetic location: 2q14.1.
Variant type: single nucleotide variant.
Coding change: c.2688G>A on transcript NM_019014.6 (MANE Select); coding-DNA position 2688, G replaced by A.
Protein change: p.Leu896=; no amino-acid change (leucine 896 retained).
Molecular consequence: synonymous variant.
Genome position (GRCh38, 1-based): chr2:112,575,009, G>A. VCF-style: chr2-112575009-G-A. GRCh37 (hg19) VCF-style: chr2-113332586-G-A.
Other names: c.2520G>A, p.Leu840= (NM_001137604.3, NM_032212.2); c.2802G>A, p.Leu934= (NM_001282772.2); c.2139G>A, p.Leu713= (NM_001282774.2); c.2055G>A, p.Leu685= (NM_001282776.2, NM_001371971.1); c.2271G>A, p.Leu757= (NM_001282777.2, NM_001282779.2, NM_001371970.1); c.2826G>A, p.Leu942= (NM_001371969.1).
Identifiers: ClinVar variation 2651281 (VCV002651281.24), dbSNP rs146532372, ClinGen allele CA1835369.

ClinVar aggregate classification (germline): Benign (1 of 4 stars; one submission).

Allele frequency attached by ClinVar (database versions not stated): gnomAD exomes 0.00020; ExAC 0.00079; gnomAD 0.00215; 1000 Genomes Project 0.00240; TOPMed 0.00241; 1000 Genomes Project 30x 0.00297; ESP Exome Variant Server 0.00308.

Submission:

CeGaT Center for Human Genetics Tuebingen
Classification: Benign. Last evaluated: 2022-05-01. Review status: criteria provided, single submitter. Criteria: CeGaT Center For Human Genetics Tuebingen Variant Classification Criteria Version 2. Collection method: clinical testing. Allele origin: germline. Affected: yes. Observed: 1 variant allele.
Comment: POLR1B: BP4, BS1, BS2